The following is an entry in ClinVar:

ClinVar aggregate classification (germline): Likely benign. Review status: criteria provided, multiple submitters, no conflicts (2 of 4 stars). 2 submissions from 2 submitters: Likely benign (2). Last evaluated 2026-09-08.

Conditions:
TCOF1-related disorder. Also called: TCOF1-related condition.

gnomAD v4.1: 38 of 1,614,178 alleles (0.0024%); highest among the groups gnomAD compares: Middle Eastern, 0.033%; no homozygotes.

Submissions (2):

PreventionGenetics, part of Exact Sciences
Classification: Likely benign for TCOF1-related condition. Last evaluated: 2026-09-08. Review status: criteria provided, single submitter. Criteria: ACMG Guidelines, 2015. Collection method: clinical testing. Allele origin: germline.
Comment: This variant is classified as likely benign based on ACMG/AMP sequence variant interpretation guidelines (Richards et al. 2015 PMID: 25741868, with internal and published modifications).

Blueprint Genetics
Classification: Likely benign. Last evaluated: 2024-09-12. Review status: criteria provided, single submitter. Criteria: ACMG Guidelines, 2015. Collection method: clinical testing. Allele origin: germline.

NM_001371623.1(TCOF1):c.804G>A (p.Glu268=)

Gene: TCOF1 (treacle ribosome biogenesis factor 1; plus strand). Cytogenetic location: 5q32.
Variant type: single nucleotide variant.
Coding change: c.804G>A on transcript NM_001371623.1 (MANE Select); coding-DNA position 804, G replaced by A.
Protein change: p.Glu268=; no amino-acid change (glutamic acid 268 retained).
Molecular consequence: synonymous variant. On other transcripts: intron variant (3).
Genome position (GRCh38, 1-based): chr5:150,372,170, G>A. VCF-style: chr5-150372170-G-A. GRCh37 (hg19) VCF-style: chr5-149751733-G-A.
Other names: c.804G>A, p.Glu268= (NM_001008657.3, NM_001135243.2, NM_001135244.2 and 1 more transcripts); c.640-2004G>A (NM_001437406.1, NM_001135245.2, NM_000356.4); c.804G>A (NM_001135243.1).
Identifiers: ClinVar variation 4972612 (VCV004972612.2).